The following is an entry in ClinVar:

NM_002227.4(JAK1):c.2394G>A (p.Thr798=)

Gene: JAK1 (Janus kinase 1; minus strand). Cytogenetic location: 1p31.3.
Variant type: single nucleotide variant.
Coding change: c.2394G>A on transcript NM_002227.4 (MANE Select); coding-DNA position 2394, G replaced by A.
Protein change: p.Thr798=; no amino-acid change (threonine 798 retained).
Molecular consequence: synonymous variant.
Genome position (GRCh38, 1-based): chr1:64,844,073, C>T on the plus strand (G>A on the coding strand, the complement: JAK1 is on the minus strand). VCF-style: chr1-64844073-C-T. GRCh37 (hg19) VCF-style: chr1-65309756-C-T.
Other names: c.2394G>A, p.Thr798= (NM_001320923.2, NM_001321852.2, NM_001321853.2 and 3 more transcripts); c.2391G>A, p.Thr797= (NM_001321857.2); c.2394G>A (NM_002227.3).
Identifiers: ClinVar variation 1593839 (VCV001593839.12), dbSNP rs200208839, ClinGen allele CA892685.

ClinVar aggregate classification (germline): Benign/Likely benign. Review status: criteria provided, multiple submitters, no conflicts (2 of 4 stars). 4 submissions from 4 submitters: Benign (1); Likely benign (2). 1 of the submissions does not count toward it. Last evaluated 2026-08-01.

Conditions:
JAK1-related disorder. Also called: JAK1-related condition.

Allele frequency attached by ClinVar (database versions not stated): ESP Exome Variant Server 0.00016; ExAC 0.00026; gnomAD exomes 0.00029; gnomAD 0.00037; 1000 Genomes Project 0.00040; 1000 Genomes Project 30x 0.00047; TOPMed 0.00057.
gnomAD v4.1: 492 of 1,614,128 alleles (0.03%); highest among the groups gnomAD compares: Middle Eastern, 0.13%; no homozygotes.

Submissions (4):

CeGaT Center for Human Genetics Tuebingen
Classification: Likely benign. Last evaluated: 2026-08-01. Review status: criteria provided, single submitter. Criteria: CeGaT Center For Human Genetics Tuebingen Variant Classification Criteria Version 2. Collection method: clinical testing. Allele origin: germline. Affected: yes. Observed: 2 variant alleles.
Comment: JAK1: BP4, BP7

Labcorp Genetics (formerly Invitae), Labcorp
Classification: Benign. Last evaluated: 2026-01-18. Review status: criteria provided, single submitter. Criteria: Invitae Variant Classification Sherloc (09022015). Collection method: clinical testing. Allele origin: germline.

Blueprint Genetics
Classification: Likely benign. Last evaluated: 2024-08-15. Review status: criteria provided, single submitter. Criteria: ACMG Guidelines, 2015. Collection method: clinical testing. Allele origin: germline.

PreventionGenetics, part of Exact Sciences
Classification: Likely benign for JAK1-related condition. Last evaluated: 2019-07-02. Review status: no assertion criteria provided. Collection method: clinical testing. Allele origin: germline. Not counted in ClinVar's aggregate classification.
Comment: This variant is classified as likely benign based on ACMG/AMP sequence variant interpretation guidelines (Richards et al. 2015 PMID: 25741868, with internal and published modifications).